The following is an entry in ClinVar:

NM_001376.5(DYNC1H1):c.7881_7883del (p.Pro2628del)

Gene: DYNC1H1 (dynein cytoplasmic 1 heavy chain 1; plus strand). Cytogenetic location: 14q32.31.
Variant type: Deletion.
Coding change: c.7881_7883del on transcript NM_001376.5 (MANE Select); coding-DNA positions 7881 to 7883, 3 bases deleted (TCC; older notation c.7881_7883delTCC).
Protein change: p.Pro2628del; deletes proline 2628.
Genome position (GRCh38, 1-based): chr14:102,017,120-102,017,122, TCC deleted; deleting any 3 consecutive bases within chr14:102,017,119-102,017,122 gives the same sequence; the c. name uses the placement nearest the transcript's 3' end. VCF-style (leftmost placement, unchanged base first): chr14-102017118-ACTC-A. GRCh37 (hg19) VCF-style: chr14-102483455-ACTC-A.
Other names: short protein forms P2628del.
Identifiers: ClinVar variation 3656229 (VCV003656229.2).

ClinVar aggregate classification (germline): Uncertain significance (1 of 4 stars; one submission).

Conditions:
Charcot-Marie-Tooth disease axonal type 2O. Also called: CHARCOT-MARIE-TOOTH NEUROPATHY, AXONAL, TYPE 2O; CHARCOT-MARIE-TOOTH DISEASE, AXONAL, AUTOSOMAL DOMINANT, TYPE 2O; Charcot-Marie-Tooth Neuropathy Type 2O; Charcot-Marie-Tooth disease, axonal, type 20. Identifiers: Orphanet 284232, MedGen C3280220, MONDO:0013644, OMIM 614228.

Submission:

Labcorp Genetics (formerly Invitae), Labcorp
Classification: Uncertain significance for Charcot-Marie-Tooth disease axonal type 2O. Last evaluated: 2024-06-11. Review status: criteria provided, single submitter. Criteria: Invitae Variant Classification Sherloc (09022015). Collection method: clinical testing. Allele origin: germline.
Comment: This variant, c.7881_7883del, results in the deletion of 1 amino acid(s) of the DYNC1H1 protein (p.Pro2628del), but otherwise preserves the integrity of the reading frame. This variant is not present in population databases (gnomAD no frequency). This variant has not been reported in the literature in individuals affected with DYNC1H1-related conditions. Experimental studies and prediction algorithms are not available or were not evaluated, and the functional significance of this variant is currently unknown. In summary, the available evidence is currently insufficient to determine the role of this variant in disease. Therefore, it has been classified as a Variant of Uncertain Significance.